The following is an entry in ClinVar:

NM_003331.5(TYK2):c.3290A>G (p.His1097Arg)

Gene: TYK2 (tyrosine kinase 2; minus strand). Cytogenetic location: 19p13.2.
Variant type: single nucleotide variant.
Coding change: c.3290A>G on transcript NM_003331.5 (MANE Select); coding-DNA position 3290, A replaced by G.
Protein change: p.His1097Arg; replaces histidine 1097 with arginine.
Molecular consequence: missense variant. On other transcripts: intron variant (1).
Genome position (GRCh38, 1-based): chr19:10,352,462, T>C on the plus strand (A>G on the coding strand, the complement: TYK2 is on the minus strand). VCF-style: chr19-10352462-T-C. GRCh37 (hg19) VCF-style: chr19-10463138-T-C.
Other names: c.3290A>G, p.His1097Arg (NM_001385197.1, NM_001406461.1); c.3104A>G, p.His1035Arg (NM_001385199.1); c.3287A>G, p.His1096Arg (NM_001385200.1); c.3092A>G, p.His1031Arg (NM_001385201.1); c.3206A>G, p.His1069Arg (NM_001385202.1); c.3371A>G, p.His1124Arg (NM_001385203.1); c.3500A>G, p.His1167Arg (NM_001385204.1); c.3200A>G, p.His1067Arg (NM_001385205.1); and 3 more; short protein forms H1091R, H1055R, H1124R, H1067R, H1096R, H1167R, H1031R, H1035R.
Identifiers: ClinVar variation 2055976 (VCV002055976.4), dbSNP rs2512447451, ClinGen allele CA403983110.

ClinVar aggregate classification (germline): Uncertain significance (1 of 4 stars; one submission).

Conditions:
Immunodeficiency 35 (IMD35). Also called: HIES WITH ATYPICAL MYCOBACTERIOSIS, AUTOSOMAL RECESSIVE; HYPER-IgE SYNDROME WITH ATYPICAL MYCOBACTERIOSIS, AUTOSOMAL RECESSIVE; TYK2 DEFICIENCY; Susceptibility to infection due to TYK2 deficiency. Identifiers: Orphanet 331226, MedGen C1969086, MONDO:0012682, OMIM 611521.

Submission:

Labcorp Genetics (formerly Invitae), Labcorp
Classification: Uncertain significance for Immunodeficiency 35. Last evaluated: 2022-01-02. Review status: criteria provided, single submitter. Criteria: Invitae Variant Classification Sherloc (09022015). Collection method: clinical testing. Allele origin: germline.
Comment: In summary, the available evidence is currently insufficient to determine the role of this variant in disease. Therefore, it has been classified as a Variant of Uncertain Significance. Algorithms developed to predict the effect of missense changes on protein structure and function output the following: SIFT: "Not Available"; PolyPhen-2: "Benign"; Align-GVGD: "Not Available". The arginine amino acid residue is found in multiple mammalian species, which suggests that this missense change does not adversely affect protein function. This variant has not been reported in the literature in individuals affected with TYK2-related conditions. This variant is not present in population databases (gnomAD no frequency). This sequence change replaces histidine, which is basic and polar, with arginine, which is basic and polar, at codon 1097 of the TYK2 protein (p.His1097Arg).